The following is an entry in ClinVar:

NM_032217.5(ANKRD17):c.4951A>G (p.Lys1651Glu)

Gene: ANKRD17 (ankyrin repeat domain 17; minus strand). Cytogenetic location: 4q13.3.
Variant type: single nucleotide variant.
Coding change: c.4951A>G on transcript NM_032217.5 (MANE Select); coding-DNA position 4951, A replaced by G.
Protein change: p.Lys1651Glu; replaces lysine 1651 with glutamic acid.
Molecular consequence: missense variant.
Genome position (GRCh38, 1-based): chr4:73,098,143, T>C on the plus strand (A>G on the coding strand, the complement: ANKRD17 is on the minus strand). VCF-style: chr4-73098143-T-C. GRCh37 (hg19) VCF-style: chr4-73963860-T-C.
Other names: c.4612A>G, p.Lys1538Glu (NM_001286771.3); c.4948A>G, p.Lys1650Glu (NM_015574.2); c.4198A>G, p.Lys1400Glu (NM_198889.3); short protein forms K1538E, K1650E, K1651E, K1400E.
Identifiers: ClinVar variation 2601432 (VCV002601432.3), dbSNP rs778139385, ClinGen allele CA2958253.

ClinVar aggregate classification (germline): Uncertain significance. Review status: criteria provided, multiple submitters, no conflicts (2 of 4 stars). 2 submissions from 2 submitters: Uncertain significance (2). Last evaluated 2025-10-06.

Conditions:
Inborn genetic diseases. Identifiers: MedGen C0950123, MeSH D030342.

Allele frequency attached by ClinVar (database versions not stated): gnomAD exomes below 0.00001; TOPMed below 0.00001; ExAC 0.00002.
gnomAD v4.1: 6 of 1,613,868 alleles (0.00037%); highest among the groups gnomAD compares: East Asian, 0.0045%; no homozygotes.

Submissions (2):

Women's Health and Genetics/Laboratory Corporation of America, LabCorp
Classification: Uncertain significance. Last evaluated: 2025-10-06. Review status: criteria provided, single submitter. Criteria: LabCorp Variant Classification Summary - May 2015. Collection method: clinical testing. Allele origin: germline.
Comment: Variant summary: ANKRD17 c.4951A>G (p.Lys1651Glu) results in a conservative amino acid change in the encoded protein sequence. Algorithms developed to predict the effect of missense changes on protein structure and function are either unavailable or do not agree on the potential impact of this missense change. The variant allele was found at a frequency of 1.6e-05 in 251144 control chromosomes. The available data on variant occurrences in the general population are insufficient to allow any conclusion about variant significance. To our knowledge, no occurrence of c.4951A>G in individuals affected with ANKRD17-related conditions and no experimental evidence demonstrating its impact on protein function have been reported. ClinVar contains an entry for this variant (Variation ID: 2601432). Based on the evidence outlined above, the variant was classified as uncertain significance.

Ambry Genetics
Classification: Uncertain significance for Inborn genetic diseases. Last evaluated: 2023-08-20. Review status: criteria provided, single submitter. Criteria: Ambry Variant Classification Scheme 2023. Collection method: clinical testing. Allele origin: germline.